The following is an entry in ClinVar:

NM_014946.4(SPAST):c.93dup (p.Ala32fs)

Gene: SPAST (spastin; plus strand). Cytogenetic location: 2p22.3.
Variant type: Duplication.
Coding change: c.93dup on transcript NM_014946.4 (MANE Select); coding-DNA position 93, one base duplicated (C; older notation c.93dupC).
Protein change: p.Ala32fs; shifts the reading frame from alanine 32.
Molecular consequence: frameshift variant.
Genome position (GRCh38, 1-based): chr2:32,063,924, C duplicated; the last of 5 consecutive C bases (chr2:32,063,920-32,063,924); duplicating any one gives the same sequence. VCF-style (leftmost placement, unchanged base first): chr2-32063919-G-GC. GRCh37 (hg19) VCF-style: chr2-32288988-G-GC.
Other names: c.93dup, p.Ala32fs (NM_001363823.2, NM_001363875.2, NM_001377959.1 and 1 more transcripts); short protein forms A32fs.
Identifiers: ClinVar variation 941898 (VCV000941898.7), dbSNP rs1676391139, ClinGen allele CA1139656819.

ClinVar aggregate classification (germline): Pathogenic (1 of 4 stars; one submission).

Conditions:
Hereditary spastic paraplegia 4. Also called: Spastic Paraplegia 4; Spastic paraplegia 4, autosomal dominant; Familial spastic paraplegia autosomal dominant 2. Identifiers: Orphanet 100985, MedGen C1866855, MONDO:0008438, OMIM 182601.

Submission:

Labcorp Genetics (formerly Invitae), Labcorp
Classification: Pathogenic for Hereditary spastic paraplegia 4. Last evaluated: 2019-06-17. Review status: criteria provided, single submitter. Criteria: Invitae Variant Classification Sherloc (09022015). Collection method: clinical testing. Allele origin: germline.
Comment: This variant has not been reported in the literature in individuals with SPAST-related conditions. This sequence change creates a premature translational stop signal (p.Ala32Argfs*16) in the SPAST gene. It is expected to result in an absent or disrupted protein product. This variant is not present in population databases (ExAC no frequency). Loss-of-function variants in SPAST are known to be pathogenic (PMID: 20932283). For these reasons, this variant has been classified as Pathogenic.

Literature cited by the submitters: PubMed 20932283.